The following is an entry in ClinVar:

ClinVar aggregate classification (germline): Benign. Review status: criteria provided, multiple submitters, no conflicts (2 of 4 stars). 2 submissions from 2 submitters: Benign (2). Last evaluated 2018-06-19.

Allele frequency attached by ClinVar (database versions not stated): 1000 Genomes Project 30x 0.31215; 1000 Genomes Project 0.31430; TOPMed 0.37147; gnomAD 0.39488 and 0.39542; gnomAD exomes 0.47275.
gnomAD v4.1: 217,874 of 486,596 alleles (45%); highest among the groups gnomAD compares: Non-Finnish European, 53%; 53,030 homozygotes.

Submissions (2):

GeneDx
Classification: Benign. Last evaluated: 2018-06-19. Review status: criteria provided, single submitter. Criteria: GeneDx Variant Classification (06012015). Collection method: clinical testing. Allele origin: germline. Affected: yes.
Comment: This variant is considered likely benign or benign based on one or more of the following criteria: it is a conservative change, it occurs at a poorly conserved position in the protein, it is predicted to be benign by multiple in silico algorithms, and/or has population frequency not consistent with disease.

Breakthrough Genomics
Classification: Benign. Review status: criteria provided, single submitter. Criteria: ACMG Guidelines, 2015. Collection method: not provided. Allele origin: germline. Inheritance: Autosomal recessive inheritance. Affected: yes.

NM_032578.4(MYPN):c.1484-283T>C

Gene: MYPN (myopalladin; plus strand). Cytogenetic location: 10q21.3.
Variant type: single nucleotide variant.
Coding change: c.1484-283T>C on transcript NM_032578.4 (MANE Select); 283 bases into the intron before coding-DNA position 1484, T replaced by C.
Molecular consequence: intron variant.
Genome position (GRCh38, 1-based): chr10:68,165,419, T>C. VCF-style: chr10-68165419-T-C. GRCh37 (hg19) VCF-style: chr10-69925176-T-C.
Other names: c.1484-283T>C (NM_001256267.2); c.602-283T>C (NM_001256268.2).
Identifiers: ClinVar variation 668991 (VCV000668991.2), dbSNP rs10823147, ClinGen allele CA13193301.